The following is an entry in ClinVar:

ClinVar aggregate classification (germline): Likely pathogenic (1 of 4 stars; one submission).

Conditions:
PCSK1-related disorder. Also called: PCSK1-related condition.

Submission:

PreventionGenetics, part of Exact Sciences
Classification: Likely pathogenic for PCSK1-related condition. Last evaluated: 2025-10-22. Review status: criteria provided, single submitter. Criteria: ACMG Guidelines, 2015. Collection method: clinical testing. Allele origin: germline.
Comment: The PCSK1 c.1423G>T variant is predicted to result in premature protein termination (p.Glu475*). To our knowledge, this variant has not been reported in the literature or in a large population database (gnomAD), indicating this variant is rare. Nonsense variants in PCSK1 are expected to be pathogenic. This variant is interpreted as likely pathogenic.

NM_000439.5(PCSK1):c.1423G>T (p.Glu475Ter)

Genes: PCSK1 (proprotein convertase subtilisin/kexin type 1; minus strand), CAST (calpastatin; plus strand), LOC101929710 (uncharacterized LOC101929710; plus strand). Cytogenetic location: 5q15.
Variant type: single nucleotide variant.
Coding change: c.1423G>T on transcript NM_000439.5 (MANE Select); coding-DNA position 1423, G replaced by T.
Protein change: p.Glu475Ter; replaces glutamic acid 475 with a stop codon.
Molecular consequence: nonsense. On other transcripts: intron variant (11).
Genome position (GRCh38, 1-based): chr5:96,399,960, C>A on the plus strand (G>T on the coding strand, the complement: PCSK1 is on the minus strand). VCF-style: chr5-96399960-C-A. GRCh37 (hg19) VCF-style: chr5-95735664-C-A.
Other names: c.1282G>T, p.Glu428Ter (NM_001177875.2); c.-175+20308C>A (NM_001423254.1, NM_001423259.1, NM_001423255.1 and 6 more transcripts); c.-103+20308C>A (NM_001423253.1); c.-40+20308C>A (NM_001423258.1); short protein forms E475*, E428*.
Identifiers: ClinVar variation 4995650 (VCV004995650.1).